The following is an entry in ClinVar:

ClinVar aggregate classification (germline): Conflicting classifications of pathogenicity. Review status: criteria provided, conflicting classifications (1 of 4 stars). 5 submissions from 5 submitters: Pathogenic (1); Likely pathogenic (2); Uncertain significance (1). 1 of the submissions does not count toward it. Last evaluated 2025-09-08.

Conditions:
McKusick-Kaufman syndrome (MKKS). Also called: HYDROMETROCOLPOS SYNDROME; HYDROMETROCOLPOS, POSTAXIAL POLYDACTYLY, AND CONGENITAL HEART MALFORMATION. Identifiers: Orphanet 2473, MedGen C0948368, MONDO:0009367, OMIM 236700.
Bardet-Biedl syndrome 6 (BBS6). Identifiers: Orphanet 110, MedGen C1858054, MONDO:0011523, OMIM 605231.
Bardet-Biedl syndrome (BBS). Identifiers: Orphanet 110, MedGen C0752166, MONDO:0015229.
MKKS-related disorder. Also called: MKKS-related condition; MKKS-related disorders.

Allele frequency attached by ClinVar (database versions not stated): gnomAD exomes 0.00001 and 0.00002; gnomAD 0.00002 and 0.00001; TOPMed 0.00002; ExAC 0.00003; ESP Exome Variant Server 0.00008.
gnomAD v4.1: 21 of 1,614,064 alleles (0.0013%); highest among the groups gnomAD compares: South Asian, 0.0022%; no homozygotes.

Submissions (5):

Labcorp Genetics (formerly Invitae), Labcorp
Classification: Likely pathogenic for McKusick-Kaufman syndrome; Bardet-Biedl syndrome. Last evaluated: 2025-09-08. Review status: criteria provided, single submitter. Criteria: Invitae Variant Classification Sherloc (09022015). Collection method: clinical testing. Allele origin: germline.
Comment: This sequence change replaces isoleucine, which is neutral and non-polar, with threonine, which is neutral and polar, at codon 297 of the MKKS protein (p.Ile297Thr). This variant is present in population databases (rs147704542, gnomAD 0.006%). This missense change has been observed in individual(s) with Bardet-Biedl syndrome (PMID: 20177705, 21044901, 30718709, 37031301). In at least one individual the data is consistent with being in trans (on the opposite chromosome) from a pathogenic variant. ClinVar contains an entry for this variant (Variation ID: 636042). Invitae Evidence Modeling of protein sequence and biophysical properties (such as structural, functional, and spatial information, amino acid conservation, physicochemical variation, residue mobility, and thermodynamic stability) has been performed for this missense variant. However, the output from this modeling did not meet the statistical confidence thresholds required to predict the impact of this variant on MKKS protein function. In summary, the currently available evidence indicates that the variant is pathogenic, but additional data are needed to prove that conclusively. Therefore, this variant has been classified as Likely Pathogenic.

Fulgent Genetics
Classification: Uncertain significance for McKusick-Kaufman syndrome; Bardet-Biedl syndrome 6. Last evaluated: 2024-06-10. Review status: criteria provided, single submitter. Criteria: ACMG Guidelines, 2015. Collection method: clinical testing. Allele origin: germline.

Baylor Genetics
Classification: Pathogenic for Bardet-Biedl syndrome 6. Last evaluated: 2024-01-16. Review status: criteria provided, single submitter. Criteria: ACMG Guidelines, 2015. Collection method: clinical testing. Allele origin: unknown.

Blueprint Genetics
Classification: Likely pathogenic for MKKS-related disorders. Last evaluated: 2022-09-27. Review status: criteria provided, single submitter. Criteria: ACMG Guidelines, 2015. Collection method: clinical testing. Allele origin: germline. Affected: yes. Observed: 4 variant alleles.

Department of Clinical Genetics, Copenhagen University Hospital, Rigshospitalet
Classification: Uncertain significance for Bardet-Biedl syndrome. Last evaluated: 2018-04-01. Review status: no assertion criteria provided. Collection method: research. Allele origin: unknown. Affected: yes. Study: VeluxRD. Not counted in ClinVar's aggregate classification.

Literature cited by the submitters: PubMed 20177705 (cited by Labcorp Genetics (formerly Invitae), Labcorp); PubMed 21044901 (cited by Labcorp Genetics (formerly Invitae), Labcorp); PubMed 30718709 (cited by Labcorp Genetics (formerly Invitae), Labcorp and Department of Clinical Genetics, Copenhagen University Hospital, Rigshospitalet); PubMed 37031301 (cited by Labcorp Genetics (formerly Invitae), Labcorp).

NM_170784.3(MKKS):c.890T>C (p.Ile297Thr)

Gene: MKKS (MKKS centrosomal shuttling protein; minus strand). Cytogenetic location: 20p12.2.
Variant type: single nucleotide variant.
Coding change: c.890T>C on transcript NM_170784.3 (MANE Select); coding-DNA position 890, T replaced by C.
Protein change: p.Ile297Thr; replaces isoleucine 297 with threonine.
Molecular consequence: missense variant.
Genome position (GRCh38, 1-based): chr20:10,412,625, A>G on the plus strand (T>C on the coding strand, the complement: MKKS is on the minus strand). VCF-style: chr20-10412625-A-G. GRCh37 (hg19) VCF-style: chr20-10393273-A-G.
Other names: c.890T>C, p.Ile297Thr (NM_018848.3); short protein forms I297T.
Identifiers: ClinVar variation 636042 (VCV000636042.10), dbSNP rs147704542, ClinGen allele CA9763608.
Genomic context (GRCh38, chr20:10,412,625, plus strand): 5'-CCAATTCTGTCTATGGCAATAATACGATGCATATTGAGAAACTGCTTCAAAGATGGATGT[A>G]TAACTTTTTGGCACAGGACAAGATCTACGTGGTCACTGATTAGCTGCCTTCCTAGGTTAA-3'
Protein context (NP_740754.1, residues 287-307): HVDLVLCQKV[Ile297Thr]HPSLKQFLNM